The following is an entry in ClinVar:

NM_000526.5(KRT14):c.364C>T (p.Leu122Phe)

Gene: KRT14 (keratin 14; minus strand). Cytogenetic location: 17q21.2.
Variant type: single nucleotide variant.
Coding change: c.364C>T on transcript NM_000526.5 (MANE Select); coding-DNA position 364, C replaced by T.
Protein change: p.Leu122Phe; replaces leucine 122 with phenylalanine.
Molecular consequence: missense variant.
Genome position (GRCh38, 1-based): chr17:41,586,471, G>A on the plus strand (C>T on the coding strand, the complement: KRT14 is on the minus strand). VCF-style: chr17-41586471-G-A. GRCh37 (hg19) VCF-style: chr17-39742723-G-A.
Other names: short protein forms L122F.
Identifiers: ClinVar variation 66344 (VCV000066344.7), dbSNP rs59110575, ClinGen allele CA216909.
Genomic context (GRCh38, chr17:41,586,471, plus strand): 5'-CGGCGTTGGCCTCCTCCAGAGCACGCACCTTGTCCAGGTAGGAGGCCAGGCGGTCATTGA[G>A]GTTCTGCATGGTCACCTTCTCACTGCCCACCAGAAGCCCATCACCACCAGCAAAGCCACC-3'
Protein context (NP_000517.3, residues 112-132): VGSEKVTMQN[Leu122Phe]NDRLASYLDK

ClinVar aggregate classification (germline): Pathogenic. Review status: criteria provided, multiple submitters, no conflicts (2 of 4 stars). 3 submissions from 3 submitters: Pathogenic (2). 1 of the submissions does not count toward it. Last evaluated 2021-10-29.

Conditions:
KRT14-related disorder. Also called: KRT14-related condition.

Allele frequency attached by ClinVar (database versions not stated): gnomAD exomes below 0.00001.
gnomAD v4.1: 1 of 1,614,152 alleles (0.000062%); highest among the groups gnomAD compares: Non-Finnish European, 0.000085%; no homozygotes.

Submissions (3):

Labcorp Genetics (formerly Invitae), Labcorp
Classification: Pathogenic. Last evaluated: 2021-10-29. Review status: criteria provided, single submitter. Criteria: Invitae Variant Classification Sherloc (09022015). Collection method: clinical testing. Allele origin: germline.
Comment: For these reasons, this variant has been classified as Pathogenic. Advanced modeling of protein sequence and biophysical properties (such as structural, functional, and spatial information, amino acid conservation, physicochemical variation, residue mobility, and thermodynamic stability) performed at Invitae indicates that this missense variant is expected to disrupt KRT14 protein function. ClinVar contains an entry for this variant (Variation ID: 66344). This missense change has been observed in individual(s) with autosomal dominant epidermolysis bullosa simplex (PMID: 7526926, 32484238). In at least one individual the variant was observed to be de novo. This variant is not present in population databases (gnomAD no frequency). This sequence change replaces leucine, which is neutral and non-polar, with phenylalanine, which is neutral and non-polar, at codon 122 of the KRT14 protein (p.Leu122Phe).

Blueprint Genetics
Classification: Pathogenic for KRT14-related disorders. Last evaluated: 2019-12-12. Review status: criteria provided, single submitter. Criteria: ACMG Guidelines, 2015. Collection method: clinical testing. Allele origin: germline. Affected: yes. Observed: 1 variant allele.

Epithelial Biology;  Institute of Medical Biology, Singapore
No classification provided. Review status: no classification provided. Collection method: not provided. Allele origin: not provided. Not counted in ClinVar's aggregate classification.

Literature cited by the submitters: PubMed 7526926 (cited by Labcorp Genetics (formerly Invitae), Labcorp); PubMed 32484238 (cited by Labcorp Genetics (formerly Invitae), Labcorp).